The following is an entry in ClinVar:

NM_015411.4(SUMF2):c.*203T>C

Gene: SUMF2 (sulfatase modifying factor 2; plus strand). Cytogenetic location: 7p11.2.
Variant type: single nucleotide variant.
Coding change: c.*203T>C on transcript NM_015411.4 (MANE Select); 203 bases downstream of the stop codon, T replaced by C.
Molecular consequence: 3 prime UTR variant. On other transcripts: missense variant (2).
Genome position (GRCh38, 1-based): chr7:56,079,815, T>C. VCF-style: chr7-56079815-T-C. GRCh37 (hg19) VCF-style: chr7-56147508-T-C.
Other names: c.*203T>C (NM_001042468.3, NM_001042469.3, NM_001042470.3 and 1 more transcripts); c.964T>C, p.Cys322Arg (NM_001130069.4); c.*168T>C (NM_001366647.2, NM_001366648.2); c.460T>C, p.Cys154Arg (NM_001366649.2); short protein forms C154R, C322R.
Identifiers: ClinVar variation 2348061 (VCV002348061.4), dbSNP rs374964128, ClinGen allele CA4269916.

ClinVar aggregate classification (germline): Likely benign. Review status: criteria provided, single submitter (1 of 4 stars). 2 submissions from 2 submitters: Likely benign (1). 1 of the submissions does not count toward it. Last evaluated 2022-08-22.

Conditions:
SUMF2-related disorder. Also called: SUMF2-related condition.

Allele frequency attached by ClinVar (database versions not stated): gnomAD exomes 0.00004; ExAC 0.00013; ESP Exome Variant Server 0.00022; gnomAD 0.00040; TOPMed 0.00046; 1000 Genomes Project 0.00060; 1000 Genomes Project 30x 0.00062.

Submissions (2):

Ambry Genetics
Classification: Likely benign. Last evaluated: 2022-08-22. Review status: criteria provided, single submitter. Criteria: Ambry Variant Classification Scheme 2023. Collection method: clinical testing. Allele origin: germline.

PreventionGenetics, part of Exact Sciences
Classification: Likely benign for SUMF2-related condition. Last evaluated: 2022-12-13. Review status: no assertion criteria provided. Collection method: clinical testing. Allele origin: germline. Not counted in ClinVar's aggregate classification.
Comment: This variant is classified as likely benign based on ACMG/AMP sequence variant interpretation guidelines (Richards et al. 2015 PMID: 25741868, with internal and published modifications).